The following is an entry in ClinVar:

ClinVar aggregate classification (germline): Uncertain significance (1 of 4 stars; one submission).

Allele frequency attached by ClinVar (database versions not stated): gnomAD exomes below 0.00001; TOPMed below 0.00001.
gnomAD v4.1: 2 of 1,614,152 alleles (0.00012%); highest among the groups gnomAD compares: Non-Finnish European, 0.00017%; no homozygotes.

Submission:

CeGaT Center for Human Genetics Tuebingen
Classification: Uncertain significance. Last evaluated: 2022-06-01. Review status: criteria provided, single submitter. Criteria: CeGaT Center For Human Genetics Tuebingen Variant Classification Criteria Version 2. Collection method: clinical testing. Allele origin: germline. Affected: yes. Observed: 1 variant allele.
Comment: RHOBTB2: PM2

NM_015178.3(RHOBTB2):c.1381C>T (p.Arg461Cys)

Gene: RHOBTB2 (Rho related BTB domain containing 2; plus strand). Cytogenetic location: 8p21.3.
Variant type: single nucleotide variant.
Coding change: c.1381C>T on transcript NM_015178.3 (MANE Select); coding-DNA position 1381, C replaced by T.
Protein change: p.Arg461Cys; replaces arginine 461 with cysteine.
Molecular consequence: missense variant.
Genome position (GRCh38, 1-based): chr8:23,007,626, C>T. VCF-style: chr8-23007626-C-T. GRCh37 (hg19) VCF-style: chr8-22865139-C-T.
Other names: c.1447C>T, p.Arg483Cys (NM_001160036.2); c.1402C>T, p.Arg468Cys (NM_001160037.2); c.1381C>T, p.Arg461Cys (NM_001374791.1); short protein forms R461C, R468C, R483C.
Identifiers: ClinVar variation 2658476 (VCV002658476.24), dbSNP rs1811011671, ClinGen allele CA370568806.